The following is an entry in ClinVar:

ClinVar aggregate classification (germline): Conflicting classifications of pathogenicity. Review status: criteria provided, conflicting classifications (1 of 4 stars). 2 submissions from 2 submitters: Uncertain significance (1); Likely benign (1). Last evaluated 2024-06-05.

Conditions:
Hereditary cancer-predisposing syndrome. Also called: Hereditary Cancer Syndrome; Hereditary neoplastic syndrome; Neoplastic Syndromes, Hereditary; Tumor predisposition. Identifiers: Orphanet 140162, MedGen C0027672, MeSH D009386, MONDO:0015356.
Oligodontia-cancer predisposition syndrome. Also called: TOOTH AGENESIS-COLORECTAL CANCER SYNDROME. Identifiers: Orphanet 300576, MedGen C1837750, MONDO:0012075, OMIM 608615. Disease mechanism: loss of function.

Allele frequency attached by ClinVar (database versions not stated): gnomAD exomes below 0.00001.
gnomAD v4.1: 1 of 1,601,608 alleles (0.000062%); highest among the groups gnomAD compares: African/African-American, 0.0013%; no homozygotes.

Submissions (2):

Ambry Genetics
Classification: Likely benign for Hereditary cancer-predisposing syndrome. Last evaluated: 2024-06-05. Review status: criteria provided, single submitter. Criteria: Ambry Variant Classification Scheme 2023. Collection method: clinical testing. Allele origin: germline.

Labcorp Genetics (formerly Invitae), Labcorp
Classification: Uncertain significance for Oligodontia-cancer predisposition syndrome. Last evaluated: 2023-11-10. Review status: criteria provided, single submitter. Criteria: Invitae Variant Classification Sherloc (09022015). Collection method: clinical testing. Allele origin: germline.
Comment: This sequence change replaces histidine, which is basic and polar, with arginine, which is basic and polar, at codon 478 of the AXIN2 protein (p.His478Arg). This variant is present in population databases (no rsID available, gnomAD 0.007%). This variant has not been reported in the literature in individuals affected with AXIN2-related conditions. ClinVar contains an entry for this variant (Variation ID: 1772546). Algorithms developed to predict the effect of missense changes on protein structure and function output the following: SIFT: "Not Available"; PolyPhen-2: "Benign"; Align-GVGD: "Not Available". The arginine amino acid residue is found in multiple mammalian species, which suggests that this missense change does not adversely affect protein function. In summary, the available evidence is currently insufficient to determine the role of this variant in disease. Therefore, it has been classified as a Variant of Uncertain Significance.

NM_004655.4(AXIN2):c.1433A>G (p.His478Arg)

Gene: AXIN2 (axin 2; minus strand). Cytogenetic location: 17q24.1.
Variant type: single nucleotide variant.
Coding change: c.1433A>G on transcript NM_004655.4 (MANE Select); coding-DNA position 1433, A replaced by G.
Protein change: p.His478Arg; replaces histidine 478 with arginine.
Molecular consequence: missense variant.
Genome position (GRCh38, 1-based): chr17:65,537,603, T>C on the plus strand (A>G on the coding strand, the complement: AXIN2 is on the minus strand). VCF-style: chr17-65537603-T-C. GRCh37 (hg19) VCF-style: chr17-63533721-T-C.
Other names: c.1433A>G, p.His478Arg (NM_001363813.1); short protein forms H478R.
Identifiers: ClinVar variation 1772546 (VCV001772546.7), dbSNP rs1405985775, ClinGen allele CA400677506.